The following is an entry in ClinVar:

ClinVar aggregate classification (germline): Uncertain significance (1 of 4 stars; one submission).

Allele frequency attached by ClinVar (database versions not stated): ExAC 0.00002; TOPMed 0.00002.
gnomAD v4.1: 12 of 1,613,860 alleles (0.00074%); highest among the groups gnomAD compares: South Asian, 0.0033%; no homozygotes.

Submission:

Ambry Genetics
Classification: Uncertain significance. Last evaluated: 2021-07-27. Review status: criteria provided, single submitter. Criteria: Ambry Variant Classification Scheme 2023. Collection method: clinical testing. Allele origin: germline.
Comment: The p.D958N variant (also known as c.2872G>A), located in coding exon 16 of the PKP4 gene, results from a G to A substitution at nucleotide position 2872. The aspartic acid at codon 958 is replaced by asparagine, an amino acid with highly similar properties. This amino acid position is conserved. In addition, this alteration is predicted to be tolerated by in silico analysis. Since supporting evidence is limited at this time, the clinical significance of this alteration remains unclear.

NM_003628.6(PKP4):c.2872G>A (p.Asp958Asn)

Genes: PKP4 (plakophilin 4; plus strand), PKP4-AS1 (PKP4 antisense RNA 1; minus strand). Cytogenetic location: 2q24.1.
Variant type: single nucleotide variant.
Coding change: c.2872G>A on transcript NM_003628.6 (MANE Select); coding-DNA position 2872, G replaced by A.
Protein change: p.Asp958Asn; replaces aspartic acid 958 with asparagine.
Molecular consequence: missense variant.
Genome position (GRCh38, 1-based): chr2:158,669,863, G>A. VCF-style: chr2-158669863-G-A. GRCh37 (hg19) VCF-style: chr2-159526375-G-A.
Other names: c.2872G>A, p.Asp958Asn (NM_001005476.4, NM_001377218.1, NM_001377225.1); c.2869G>A, p.Asp957Asn (NM_001304969.3, NM_001377219.1, NM_001377220.1 and 2 more transcripts); c.1843G>A, p.Asp615Asn (NM_001304970.3); c.2866G>A, p.Asp956Asn (NM_001377222.1, NM_001377223.1); c.2863G>A, p.Asp955Asn (NM_001377224.1); short protein forms D957N, D956N, D958N, D615N, D955N.
Identifiers: ClinVar variation 1797067 (VCV001797067.2), dbSNP rs774277494, ClinGen allele CA1921117.